The following is an entry in ClinVar:

ClinVar aggregate classification (germline): Uncertain significance (1 of 4 stars; one submission).

Submission:

Ambry Genetics
Classification: Uncertain significance. Last evaluated: 2024-03-22. Review status: criteria provided, single submitter. Criteria: Ambry Variant Classification Scheme 2023. Collection method: clinical testing. Allele origin: germline.
Comment: The p.Q308E variant (also known as c.922C>G), located in coding exon 3 of the TERF2IP gene, results from a C to G substitution at nucleotide position 922. The glutamine at codon 308 is replaced by glutamic acid, an amino acid with highly similar properties. This amino acid position is conserved. In addition, this alteration is predicted to be tolerated by in silico analysis. Based on the available evidence, the clinical significance of this alteration remains unclear.

NM_018975.4(TERF2IP):c.922C>G (p.Gln308Glu)

Gene: TERF2IP (TERF2 interacting protein; plus strand). Cytogenetic location: 16q23.1.
Variant type: single nucleotide variant.
Coding change: c.922C>G on transcript NM_018975.4 (MANE Select); coding-DNA position 922, C replaced by G.
Protein change: p.Gln308Glu; replaces glutamine 308 with glutamic acid.
Molecular consequence: missense variant. On other transcripts: non-coding transcript variant (1).
Genome position (GRCh38, 1-based): chr16:75,656,333, C>G. VCF-style: chr16-75656333-C-G. GRCh37 (hg19) VCF-style: chr16-75690231-C-G.
Other names: short protein forms Q308E.
Identifiers: ClinVar variation 3325448 (VCV003325448.1).